The following is an entry in ClinVar:

ClinVar aggregate classification (germline): Uncertain significance. Review status: criteria provided, multiple submitters, no conflicts (2 of 4 stars). 2 submissions from 2 submitters: Uncertain significance (2). Last evaluated 2024-11-18.

Allele frequency attached by ClinVar (database versions not stated): gnomAD exomes 0.00001; ExAC 0.00002; gnomAD 0.00003; 1000 Genomes Project 30x 0.00016; 1000 Genomes Project 0.00020.
gnomAD v4.1: 21 of 1,613,692 alleles (0.0013%); highest among the groups gnomAD compares: Non-Finnish European, 0.0016%; no homozygotes.

Submissions (2):

GeneDx
Classification: Uncertain significance. Last evaluated: 2024-11-18. Review status: criteria provided, single submitter. Criteria: GeneDx Variant Classification Process June 2021. Collection method: clinical testing. Allele origin: germline. Affected: yes.
Comment: Not observed at significant frequency in large population cohorts (gnomAD); In silico analysis supports that this missense variant has a deleterious effect on protein structure/function; Has not been previously published as pathogenic or benign to our knowledge

Labcorp Genetics (formerly Invitae), Labcorp
Classification: Uncertain significance. Last evaluated: 2022-07-24. Review status: criteria provided, single submitter. Criteria: Invitae Variant Classification Sherloc (09022015). Collection method: clinical testing. Allele origin: germline.
Comment: This sequence change replaces arginine, which is basic and polar, with glutamine, which is neutral and polar, at codon 158 of the WDR1 protein (p.Arg158Gln). This variant is present in population databases (rs79600607, gnomAD 0.003%). This variant has not been reported in the literature in individuals affected with WDR1-related conditions. Algorithms developed to predict the effect of missense changes on protein structure and function are either unavailable or do not agree on the potential impact of this missense change (SIFT: "Deleterious"; PolyPhen-2: "Probably Damaging"; Align-GVGD: "Class C0"). In summary, the available evidence is currently insufficient to determine the role of this variant in disease. Therefore, it has been classified as a Variant of Uncertain Significance.

NM_017491.5(WDR1):c.473G>A (p.Arg158Gln)

Gene: WDR1 (WD repeat domain 1; minus strand). Cytogenetic location: 4p16.1.
Variant type: single nucleotide variant.
Coding change: c.473G>A on transcript NM_017491.5 (MANE Select); coding-DNA position 473, G replaced by A.
Protein change: p.Arg158Gln; replaces arginine 158 with glutamine.
Molecular consequence: missense variant. On other transcripts: intron variant (1).
Genome position (GRCh38, 1-based): chr4:10,097,796, C>T on the plus strand (G>A on the coding strand, the complement: WDR1 is on the minus strand). VCF-style: chr4-10097796-C-T. GRCh37 (hg19) VCF-style: chr4-10099420-C-T.
Other names: c.139-9055G>A (NM_005112.5); c.473G>A (NM_017491.3); short protein forms R158Q.
Identifiers: ClinVar variation 1962594 (VCV001962594.3), dbSNP rs79600607, ClinGen allele CA2858050.